The following is an entry in ClinVar:

ClinVar aggregate classification (germline): Conflicting classifications of pathogenicity. Review status: criteria provided, conflicting classifications (1 of 4 stars). 9 submissions from 9 submitters: Uncertain significance (1); Likely benign (4). 4 of the submissions do not count toward it. Last evaluated 2026-06-01.

Conditions:
MAN2B1-related disorder. Also called: MAN2B1-related condition.
Deficiency of alpha-mannosidase (MANSA). Also called: LYSOSOMAL ALPHA-D-MANNOSIDASE DEFICIENCY; Alpha-Mannosidosis; Mannosidosis, alpha-, types I and II. Identifiers: Orphanet 61, MedGen C0024748, MONDO:0009561, OMIM 248500.

Allele frequency attached by ClinVar (database versions not stated): TOPMed 0.00281; gnomAD 0.00296 and 0.00281; ESP Exome Variant Server 0.00300; 1000 Genomes Project 30x 0.00031; 1000 Genomes Project 0.00040.

Submissions (9):

CeGaT Center for Human Genetics Tuebingen
Classification: Likely benign. Last evaluated: 2026-06-01. Review status: criteria provided, single submitter. Criteria: CeGaT Center For Human Genetics Tuebingen Variant Classification Criteria Version 2. Collection method: clinical testing. Allele origin: germline. Affected: yes. Observed: 6 variant alleles.
Comment: MAN2B1: BS2

Labcorp Genetics (formerly Invitae), Labcorp
Classification: Likely benign for Deficiency of alpha-mannosidase. Last evaluated: 2026-02-04. Review status: criteria provided, single submitter. Criteria: Invitae Variant Classification Sherloc (09022015). Collection method: clinical testing. Allele origin: germline.

Blueprint Genetics
Classification: Likely benign. Last evaluated: 2024-11-28. Review status: criteria provided, single submitter. Criteria: ACMG Guidelines, 2015. Collection method: clinical testing. Allele origin: germline.

Genome-Nilou Lab
Classification: Likely benign for Deficiency of alpha-mannosidase. Last evaluated: 2021-09-05. Review status: criteria provided, single submitter. Criteria: ACMG Guidelines, 2015. Collection method: clinical testing. Allele origin: germline. Affected: no.

Illumina Laboratory Services, Illumina
Classification: Uncertain significance for Deficiency of alpha-mannosidase. Last evaluated: 2017-07-26. Review status: criteria provided, single submitter. Criteria: ICSL Variant Classification Criteria 13 December 2019. Collection method: clinical testing. Allele origin: germline.
Comment: This variant was observed as part of a predisposition screen in an ostensibly healthy population. A literature search was performed for the gene, cDNA change, and amino acid change (where applicable). Publications were found based on this search. However, the evidence from the literature, in combination with allele frequency data from public databases where available, was not sufficient to rule this variant in or out of causing disease. Therefore, this variant is classified as a variant of unknown significance.

PreventionGenetics, part of Exact Sciences
Classification: Likely benign for MAN2B1-related condition. Last evaluated: 2022-04-18. Review status: no assertion criteria provided. Collection method: clinical testing. Allele origin: germline. Not counted in ClinVar's aggregate classification.
Comment: This variant is classified as likely benign based on ACMG/AMP sequence variant interpretation guidelines (Richards et al. 2015 PMID: 25741868, with internal and published modifications).

Mayo Clinic Laboratories, Mayo Clinic
Classification: Likely benign. Last evaluated: 2017-05-17. Review status: no assertion criteria provided. Collection method: clinical testing. Allele origin: unknown. Not counted in ClinVar's aggregate classification.

Clinical Genetics DNA and cytogenetics Diagnostics Lab, Erasmus MC, Erasmus Medical Center
Classification: Likely benign. Review status: no assertion criteria provided. Collection method: clinical testing. Allele origin: germline. Affected: yes. Study: VKGL Data-share Consensus. Not counted in ClinVar's aggregate classification.

Laboratory of Diagnostic Genome Analysis, Leiden University Medical Center (LUMC)
Classification: Likely benign. Review status: no assertion criteria provided. Collection method: clinical testing. Allele origin: germline. Affected: yes. Study: VKGL Data-share Consensus. Not counted in ClinVar's aggregate classification.

Literature cited by the submitters: PubMed 21505070 (cited by Illumina Laboratory Services, Illumina); PubMed 24767253 (cited by Illumina Laboratory Services, Illumina).

NM_000528.4(MAN2B1):c.844C>T (p.Pro282Ser)

Gene: MAN2B1 (mannosidase alpha class 2B member 1; minus strand). Cytogenetic location: 19p13.13.
Variant type: single nucleotide variant.
Coding change: c.844C>T on transcript NM_000528.4 (MANE Select); coding-DNA position 844, C replaced by T.
Protein change: p.Pro282Ser; replaces proline 282 with serine.
Molecular consequence: missense variant.
Genome position (GRCh38, 1-based): chr19:12,663,382, G>A on the plus strand (C>T on the coding strand, the complement: MAN2B1 is on the minus strand). VCF-style: chr19-12663382-G-A. GRCh37 (hg19) VCF-style: chr19-12774196-G-A.
Other names: c.844C>T, p.Pro282Ser (NM_001173498.2); short protein forms P282S.
Identifiers: ClinVar variation 558862 (VCV000558862.48), dbSNP rs45576136, ClinGen allele CA9226694.